The following is an entry in ClinVar:

ClinVar aggregate classification (germline): Uncertain significance (1 of 4 stars; one submission).

Conditions:
Hyperphosphatasia with intellectual disability syndrome 5 (GPIBD11). Also called: GLYCOSYLPHOSPHATIDYLINOSITOL BIOSYNTHESIS DEFECT 11. Identifiers: Orphanet 247262, MedGen C4014958, MONDO:0014457, OMIM 616025.

Submission:

Labcorp Genetics (formerly Invitae), Labcorp
Classification: Uncertain significance for Hyperphosphatasia with intellectual disability syndrome 5. Last evaluated: 2022-10-02. Review status: criteria provided, single submitter. Criteria: Invitae Variant Classification Sherloc (09022015). Collection method: clinical testing. Allele origin: germline.
Comment: This variant, c.463_465del, results in the deletion of 1 amino acid(s) of the PIGW protein (p.Arg155del), but otherwise preserves the integrity of the reading frame. This variant is present in population databases (rs763712145, gnomAD 0.01%). This variant has not been reported in the literature in individuals affected with PIGW-related conditions. Experimental studies and prediction algorithms are not available or were not evaluated, and the functional significance of this variant is currently unknown. In summary, the available evidence is currently insufficient to determine the role of this variant in disease. Therefore, it has been classified as a Variant of Uncertain Significance.

NM_001346754.2(PIGW):c.460AGA[1] (p.Arg155del)

Genes: MYO19 (myosin XIX; minus strand), PIGW (phosphatidylinositol glycan anchor biosynthesis class W; plus strand). Cytogenetic location: 17q12.
Variant type: Microsatellite.
Coding change: c.460AGA[1] on transcript NM_001346754.2 (MANE Select); one copy of the 3-base unit AGA starting at c.460; the reference has two copies in a row; one copy, 3 bases deleted.
Protein change: p.Arg155del; deletes arginine 155.
Molecular consequence: inframe deletion.
Genome position (GRCh38, 1-based): chr17:36,537,564-36,537,566, AGA deleted; deleting any 3 consecutive bases within chr17:36,537,561-36,537,566 gives the same sequence; the position shown is the placement nearest the transcript's 3' end. VCF-style (leftmost placement, unchanged base first): chr17-36537560-CAGA-C. GRCh37 (hg19) VCF-style: chr17-34893409-CAGA-C.
Other names: c.460AGA[1], p.Arg155del (NM_001346755.2, NM_178517.5); short protein forms R155del.
Identifiers: ClinVar variation 1346140 (VCV001346140.3), dbSNP rs763712145, ClinGen allele CA290115967.